The following is an entry in ClinVar:

ClinVar aggregate classification (germline): Uncertain significance (1 of 4 stars; one submission).

Conditions:
Severe early-onset pulmonary alveolar proteinosis due to MARS deficiency. Also called: PULMONARY ALVEOLAR PROTEINOSIS, REUNION ISLAND; Interstitial lung and liver disease. Identifiers: Orphanet 440427, MedGen C4225400, MONDO:0014206, OMIM 615486.
Charcot-Marie-Tooth disease axonal type 2U. Also called: CHARCOT-MARIE-TOOTH NEUROPATHY, TYPE 2U; CHARCOT-MARIE-TOOTH DISEASE, AXONAL, AUTOSOMAL DOMINANT, TYPE 2U. Identifiers: Orphanet 397735, MedGen C4084821, MONDO:0014566, OMIM 616280.

Allele frequency attached by ClinVar (database versions not stated): gnomAD exomes below 0.00001 and 0.00001; TOPMed 0.00001; gnomAD 0.00004.
gnomAD v4.1: 15 of 1,613,994 alleles (0.00093%); highest among the groups gnomAD compares: African/African-American, 0.013%; no homozygotes.

Submission:

Labcorp Genetics (formerly Invitae), Labcorp
Classification: Uncertain significance for Charcot-Marie-Tooth disease axonal type 2U; Severe early-onset pulmonary alveolar proteinosis due to MARS deficiency. Last evaluated: 2024-02-01. Review status: criteria provided, single submitter. Criteria: Invitae Variant Classification Sherloc (09022015). Collection method: clinical testing. Allele origin: germline.
Comment: This sequence change replaces valine, which is neutral and non-polar, with isoleucine, which is neutral and non-polar, at codon 275 of the MARS protein (p.Val275Ile). This variant is present in population databases (no rsID available, gnomAD 0.008%). This variant has not been reported in the literature in individuals affected with MARS-related conditions. ClinVar contains an entry for this variant (Variation ID: 576047). An algorithm developed to predict the effect of missense changes on protein structure and function (PolyPhen-2) suggests that this variant is likely to be disruptive. In summary, the available evidence is currently insufficient to determine the role of this variant in disease. Therefore, it has been classified as a Variant of Uncertain Significance.

NM_004990.4(MARS1):c.823G>A (p.Val275Ile)

Gene: MARS1 (methionyl-tRNA synthetase 1; plus strand). Cytogenetic location: 12q13.3.
Variant type: single nucleotide variant.
Coding change: c.823G>A on transcript NM_004990.4 (MANE Select); coding-DNA position 823, G replaced by A.
Protein change: p.Val275Ile; replaces valine 275 with isoleucine.
Molecular consequence: missense variant.
Genome position (GRCh38, 1-based): chr12:57,498,209, G>A. VCF-style: chr12-57498209-G-A. GRCh37 (hg19) VCF-style: chr12-57891992-G-A.
Other names: short protein forms V275I.
Identifiers: ClinVar variation 576047 (VCV000576047.6), dbSNP rs1017657436, ClinGen allele CA237756624.